The following is an entry in ClinVar:

NM_004301.5(ACTL6A):c.655C>T (p.Pro219Ser)

Gene: ACTL6A (actin like 6A; plus strand). Cytogenetic location: 3q26.33.
Variant type: single nucleotide variant.
Coding change: c.655C>T on transcript NM_004301.5 (MANE Select); coding-DNA position 655, C replaced by T.
Protein change: p.Pro219Ser; replaces proline 219 with serine.
Molecular consequence: missense variant.
Genome position (GRCh38, 1-based): chr3:179,576,703, C>T. VCF-style: chr3-179576703-C-T. GRCh37 (hg19) VCF-style: chr3-179294491-C-T.
Other names: c.529C>T, p.Pro177Ser (NM_177989.4, NM_178042.4); short protein forms P177S, P219S.
Identifiers: ClinVar variation 2654291 (VCV002654291.24), dbSNP rs2474128006, ClinGen allele CA355270669.

ClinVar aggregate classification (germline): Uncertain significance (1 of 4 stars; one submission).

Allele frequency attached by ClinVar (database versions not stated): gnomAD exomes below 0.00001.
gnomAD v4.1: 2 of 1,613,374 alleles (0.00012%); highest among the groups gnomAD compares: Non-Finnish European, 0.00017%; no homozygotes.

Submission:

CeGaT Center for Human Genetics Tuebingen
Classification: Uncertain significance. Last evaluated: 2022-07-01. Review status: criteria provided, single submitter. Criteria: CeGaT Center For Human Genetics Tuebingen Variant Classification Criteria Version 2. Collection method: clinical testing. Allele origin: germline. Affected: yes. Observed: 1 variant allele.
Comment: ACTL6A: PM2